The following is an entry in ClinVar:

NM_017547.4(FOXRED1):c.538C>T (p.Gln180Ter)

Gene: FOXRED1 (FAD dependent oxidoreductase domain containing 1; plus strand). Cytogenetic location: 11q24.2.
Variant type: single nucleotide variant.
Coding change: c.538C>T on transcript NM_017547.4 (MANE Select); coding-DNA position 538, C replaced by T.
Protein change: p.Gln180Ter; replaces glutamine 180 with a stop codon.
Molecular consequence: nonsense. On other transcripts: non-coding transcript variant (2).
Genome position (GRCh38, 1-based): chr11:126,274,928, C>T. VCF-style: chr11-126274928-C-T. GRCh37 (hg19) VCF-style: chr11-126144823-C-T.
Other names: short protein forms Q180*.
Identifiers: ClinVar variation 2047717 (VCV002047717.4), dbSNP rs760964794, ClinGen allele CA6354128.

ClinVar aggregate classification (germline): Pathogenic (1 of 4 stars; one submission).

Allele frequency attached by ClinVar (database versions not stated): gnomAD exomes 0.00001; TOPMed below 0.00001; ExAC 0.00002.
gnomAD v4.1: 9 of 1,598,724 alleles (0.00056%); highest among the groups gnomAD compares: Admixed American, 0.015%; no homozygotes.

Submission:

Labcorp Genetics (formerly Invitae), Labcorp
Classification: Pathogenic. Last evaluated: 2023-02-13. Review status: criteria provided, single submitter. Criteria: Invitae Variant Classification Sherloc (09022015). Collection method: clinical testing. Allele origin: germline.
Comment: This sequence change creates a premature translational stop signal (p.Gln180*) in the FOXRED1 gene. It is expected to result in an absent or disrupted protein product. Loss-of-function variants in FOXRED1 are known to be pathogenic (PMID: 20818383, 20858599). This variant is present in population databases (rs760964794, gnomAD 0.03%). This variant has not been reported in the literature in individuals affected with FOXRED1-related conditions. Algorithms developed to predict the effect of sequence changes on RNA splicing suggest that this variant may disrupt the consensus splice site. For these reasons, this variant has been classified as Pathogenic.

Literature cited by the submitters: PubMed 20818383; PubMed 20858599.